The following is an entry in ClinVar:

ClinVar aggregate classification (germline): Uncertain significance (1 of 4 stars; one submission).

Conditions:
Myopathy, centronuclear, 2 (CNM2). Also called: MYOTUBULAR MYOPATHY, AUTOSOMAL RECESSIVE. Identifiers: Orphanet 169186, MedGen CN031787, MONDO:0009709, OMIM 255200.

Allele frequency attached by ClinVar (database versions not stated): ExAC 0.00001; TOPMed 0.00001; gnomAD 0.00004; ESP Exome Variant Server 0.00008.
gnomAD v4.1: 18 of 1,613,854 alleles (0.0011%); highest among the groups gnomAD compares: African/African-American, 0.017%; no homozygotes.

Submission:

Labcorp Genetics (formerly Invitae), Labcorp
Classification: Uncertain significance for Myopathy, centronuclear, 2. Last evaluated: 2024-04-26. Review status: criteria provided, single submitter. Criteria: Invitae Variant Classification Sherloc (09022015). Collection method: clinical testing. Allele origin: germline.
Comment: This sequence change falls in intron 3 of the BIN1 gene. It does not directly change the encoded amino acid sequence of the BIN1 protein. It affects a nucleotide within the consensus splice site. This variant is present in population databases (rs112865380, gnomAD 0.007%). This variant has not been reported in the literature in individuals affected with BIN1-related conditions. ClinVar contains an entry for this variant (Variation ID: 2421278). Variants that disrupt the consensus splice site are a relatively common cause of aberrant splicing (PMID: 17576681, 9536098). Algorithms developed to predict the effect of sequence changes on RNA splicing suggest that this variant is not likely to affect RNA splicing. In summary, the available evidence is currently insufficient to determine the role of this variant in disease. Therefore, it has been classified as a Variant of Uncertain Significance.

Literature cited by the submitters: PubMed 17576681; PubMed 9536098.

NM_139343.3(BIN1):c.220+4G>A

Gene: BIN1 (bridging integrator 1; minus strand). Cytogenetic location: 2q14.3.
Variant type: single nucleotide variant.
Coding change: c.220+4G>A on transcript NM_139343.3 (MANE Select); 4 bases into the intron after coding-DNA position 220, G replaced by A.
Molecular consequence: intron variant.
Genome position (GRCh38, 1-based): chr2:127,070,758, C>T on the plus strand (G>A on the coding strand, the complement: BIN1 is on the minus strand). VCF-style: chr2-127070758-C-T. GRCh37 (hg19) VCF-style: chr2-127828334-C-T.
Other names: c.139+4G>A (NM_001320642.1); c.148+4G>A (NM_001320634.1); c.220+4G>A (NM_139351.3, NM_139350.3, NM_139349.3 and 10 more transcripts).
Identifiers: ClinVar variation 2421278 (VCV002421278.6), dbSNP rs112865380, ClinGen allele CA1857555.